The following is an entry in ClinVar:

ClinVar aggregate classification (germline): Uncertain significance (1 of 4 stars; one submission).

Conditions:
MEGF10-related myopathy (CMYO10A). Also called: Congenital myopathy 10A, severe variant. Identifiers: Orphanet 439212, MedGen C3280679, MONDO:0013731, OMIM 614399.

gnomAD v4.1: 1 of 1,614,110 alleles (0.000062%); highest among the groups gnomAD compares: African/African-American, 0.0013%; no homozygotes.

Submission:

Labcorp Genetics (formerly Invitae), Labcorp
Classification: Uncertain significance for MEGF10-related myopathy. Last evaluated: 2019-10-28. Review status: criteria provided, single submitter. Criteria: Invitae Variant Classification Sherloc (09022015). Collection method: clinical testing. Allele origin: germline.
Comment: In summary, the available evidence is currently insufficient to determine the role of this variant in disease. Therefore, it has been classified as a Variant of Uncertain Significance. Algorithms developed to predict the effect of missense changes on protein structure and function are either unavailable or do not agree on the potential impact of this missense change (SIFT: "Deleterious"; PolyPhen-2: "Benign"; Align-GVGD: "Class C65"). This variant has not been reported in the literature in individuals with MEGF10-related conditions. This variant is not present in population databases (ExAC no frequency). This sequence change replaces cysteine with serine at codon 234 of the MEGF10 protein (p.Cys234Ser). The cysteine residue is highly conserved and there is a moderate physicochemical difference between cysteine and serine.

NM_001256545.2(MEGF10):c.700T>A (p.Cys234Ser)

Gene: MEGF10 (multiple EGF like domains 10; plus strand). Cytogenetic location: 5q23.2.
Variant type: single nucleotide variant.
Coding change: c.700T>A on transcript NM_001256545.2 (MANE Select); coding-DNA position 700, T replaced by A.
Protein change: p.Cys234Ser; replaces cysteine 234 with serine.
Molecular consequence: missense variant.
Genome position (GRCh38, 1-based): chr5:127,398,716, T>A. VCF-style: chr5-127398716-T-A. GRCh37 (hg19) VCF-style: chr5-126734408-T-A.
Other names: c.700T>A, p.Cys234Ser (NM_001308119.2, NM_001308121.2, NM_032446.3); short protein forms C234S.
Identifiers: ClinVar variation 966217 (VCV000966217.10), dbSNP rs1156618898, ClinGen allele CA360720740.